The following is an entry in ClinVar:

ClinVar aggregate classification (germline): Conflicting classifications of pathogenicity. Review status: criteria provided, conflicting classifications (1 of 4 stars). 5 submissions from 5 submitters: Uncertain significance (1); Benign (1); Likely benign (2). 1 of the submissions does not count toward it. Last evaluated 2025-12-11.

Conditions:
Inborn genetic diseases. Identifiers: MedGen C0950123, MeSH D030342.
Hereditary sensory neuropathy-deafness-dementia syndrome. Also called: Hereditary sensory neuropathy type IE; Hereditary Sensory and Autonomic Neuropathy Type 1E (HSAN1E); HSN IE; NEUROPATHY, HEREDITARY SENSORY, WITH HEARING LOSS AND DEMENTIA. Identifiers: Orphanet 456318, MedGen C3279885, MONDO:0013584, OMIM 614116.

Allele frequency attached by ClinVar (database versions not stated): ExAC 0.00004; gnomAD 0.00004; gnomAD exomes 0.00004 and 0.00009; TOPMed 0.00005; ESP Exome Variant Server 0.00008.
gnomAD v4.1: 69 of 1,613,680 alleles (0.0043%); highest among the groups gnomAD compares: Non-Finnish European, 0.00076%; no homozygotes.

Submissions (5):

GeneDx
Classification: Uncertain significance. Last evaluated: 2025-12-11. Review status: criteria provided, single submitter. Criteria: GeneDx Variant Classification Process June 2021. Collection method: clinical testing. Allele origin: germline. Affected: yes.
Comment: In silico analysis supports that this missense variant has a deleterious effect on protein structure/function; Has not been previously published as pathogenic or benign to our knowledge; This variant is associated with the following publications: (PMID: 25942534, 25678562, 23521649)

Labcorp Genetics (formerly Invitae), Labcorp
Classification: Likely benign for Hereditary sensory neuropathy-deafness-dementia syndrome. Last evaluated: 2025-10-13. Review status: criteria provided, single submitter. Criteria: Invitae Variant Classification Sherloc (09022015). Collection method: clinical testing. Allele origin: germline.

Ambry Genetics
Classification: Benign for Inborn genetic diseases. Last evaluated: 2024-02-26. Review status: criteria provided, single submitter. Criteria: Ambry Variant Classification Scheme 2023. Collection method: clinical testing. Allele origin: germline.

Illumina Laboratory Services, Illumina
Classification: Likely benign for Hereditary sensory neuropathy-deafness-dementia syndrome. Last evaluated: 2018-01-13. Review status: criteria provided, single submitter. Criteria: ICSL Variant Classification Criteria 13 December 2019. Collection method: clinical testing. Allele origin: germline.
Comment: This variant was observed in the ICSL laboratory as part of a predisposition screen in an ostensibly healthy population. It had not been previously curated by ICSL or reported in the Human Gene Mutation Database (HGMD: prior to June 1st, 2018), and was therefore a candidate for classification through an automated scoring system. Utilizing variant allele frequency, disease prevalence and penetrance estimates, and inheritance mode, an automated score was calculated to assess if this variant is too frequent to cause the disease. Based on the score and internal cut-off values, a variant classified as likely benign is not then subjected to further curation. The score for this variant resulted in a classification of likely benign for this disease.

Department of Pathology and Laboratory Medicine, Sinai Health System
Classification: Uncertain significance. Review status: no assertion criteria provided. Collection method: clinical testing. Allele origin: unknown. Affected: yes. Study: The Canadian Open Genetics Repository (COGR). Not counted in ClinVar's aggregate classification.
Comment: Â¬â€ The DNMT1 p.E479A variant was not identified in the literature, however it was identified in dbSNP (ID: rs374027926) and in ClinVar (classified as uncertain significance by Illumina Clinical Services Laboratory for the associated conditions Dementia, Deafness, and Sensory Neuropathy). The variant was identified in control databases in 25 of 282288 chromosomes at a frequency of 0.00008856 (Genome Aggregation Database March 6, 2019, v2.1.1). The variant was observed in the following populations: Ashkenazi Jewish in 21 of 10316 chromosomes (freq: 0.002036), Other in 1 of 7212 chromosomes (freq: 0.000139) and European (non-Finnish) in 3 of 128972 chromosomes (freq: 0.000023), but was not observed in the African, Latino, East Asian, European (Finnish), or South Asian populations. The p.E479 residue is not conserved in mammals and computational analyses (PolyPhen-2, SIFT, MutationTaster, Revel, FATHMM, MetaLR, DANN) provide inconsistent predictions regarding the impact to the protein; this information is not very predictive of pathogenicity. The variant occurs outside of the splicing consensus sequence and in silico or computational prediction software programs (Splice AI exome) do not predict a difference in splicing. In summary, based on the above information the clinical significance of this variant cannot be determined with certainty at this time. This variant is classified as a variant of uncertain significance.

NM_001130823.3(DNMT1):c.1436A>C (p.Glu479Ala)

Gene: DNMT1 (DNA methyltransferase 1; minus strand). Cytogenetic location: 19p13.2.
Variant type: single nucleotide variant.
Coding change: c.1436A>C on transcript NM_001130823.3 (MANE Select); coding-DNA position 1436, A replaced by C.
Protein change: p.Glu479Ala; replaces glutamic acid 479 with alanine.
Molecular consequence: missense variant.
Genome position (GRCh38, 1-based): chr19:10,155,909, T>G on the plus strand (A>C on the coding strand, the complement: DNMT1 is on the minus strand). VCF-style: chr19-10155909-T-G. GRCh37 (hg19) VCF-style: chr19-10266585-T-G.
Other names: c.1388A>C, p.Glu463Ala (NM_001318730.2, NM_001379.4); c.1073A>C, p.Glu358Ala (NM_001318731.2); c.1436A>C (LRG_362t1); short protein forms E479A, E463A, E358A.
Identifiers: ClinVar variation 327911 (VCV000327911.21), dbSNP rs374027926, ClinGen allele CA9188297.